The following is an entry in ClinVar:

NM_000080.4(CHRNE):c.1075C>T (p.Pro359Ser)

Genes: CHRNE (cholinergic receptor nicotinic epsilon subunit; minus strand), LOC130060041 (ATAC-STARR-seq lymphoblastoid silent region 8050; plus strand). Cytogenetic location: 17p13.2.
Variant type: single nucleotide variant.
Coding change: c.1075C>T on transcript NM_000080.4 (MANE Select); coding-DNA position 1075, C replaced by T.
Protein change: p.Pro359Ser; replaces proline 359 with serine.
Molecular consequence: missense variant.
Genome position (GRCh38, 1-based): chr17:4,899,342, G>A on the plus strand (C>T on the coding strand, the complement: CHRNE is on the minus strand). VCF-style: chr17-4899342-G-A. GRCh37 (hg19) VCF-style: chr17-4802637-G-A.
Other names: c.1075C>T (NM_000080.3); short protein forms P359S.
Identifiers: ClinVar variation 1477599 (VCV001477599.6), dbSNP rs773187552, ClinGen allele CA8314031.

ClinVar aggregate classification (germline): Uncertain significance. Review status: criteria provided, multiple submitters, no conflicts (2 of 4 stars). 2 submissions from 2 submitters: Uncertain significance (2). Last evaluated 2024-10-16.

Conditions:
Congenital myasthenic syndrome 4A. Also called: CONGENITAL MYASTHENIC SYNDROME TYPE Ia1; MYASTHENIC SYNDROME, CONGENITAL, 4A, SLOW-CHANNEL, AUTOSOMAL RECESSIVE; Myasthenic syndrome, congenital, 4a, slow-channel. Identifiers: Orphanet 590, MedGen C4225413, MONDO:0011600, OMIM 605809.
Inborn genetic diseases. Identifiers: MedGen C0950123, MeSH D030342.

Allele frequency attached by ClinVar (database versions not stated): gnomAD 0.00002; gnomAD exomes 0.00002 and 0.00003.
gnomAD v4.1: 28 of 1,544,976 alleles (0.0018%); highest among the groups gnomAD compares: Admixed American, 0.012%; no homozygotes.

Submissions (2):

Labcorp Genetics (formerly Invitae), Labcorp
Classification: Uncertain significance for Congenital myasthenic syndrome 4A. Last evaluated: 2024-10-16. Review status: criteria provided, single submitter. Criteria: Invitae Variant Classification Sherloc (09022015). Collection method: clinical testing. Allele origin: germline.
Comment: This sequence change replaces proline, which is neutral and non-polar, with serine, which is neutral and polar, at codon 359 of the CHRNE protein (p.Pro359Ser). This variant is present in population databases (rs773187552, gnomAD 0.02%). This variant has not been reported in the literature in individuals affected with CHRNE-related conditions. ClinVar contains an entry for this variant (Variation ID: 1477599). Invitae Evidence Modeling of protein sequence and biophysical properties (such as structural, functional, and spatial information, amino acid conservation, physicochemical variation, residue mobility, and thermodynamic stability) indicates that this missense variant is not expected to disrupt CHRNE protein function with a negative predictive value of 95%. In summary, the available evidence is currently insufficient to determine the role of this variant in disease. Therefore, it has been classified as a Variant of Uncertain Significance.

Ambry Genetics
Classification: Uncertain significance for Inborn genetic diseases. Last evaluated: 2022-04-12. Review status: criteria provided, single submitter. Criteria: Ambry Variant Classification Scheme 2023. Collection method: clinical testing. Allele origin: germline.